The following is an entry in ClinVar:

NM_000138.5(FBN1):c.1546C>T (p.Arg516Ter)

Gene: FBN1 (fibrillin 1; minus strand). Cytogenetic location: 15q21.1.
Variant type: single nucleotide variant.
Coding change: c.1546C>T on transcript NM_000138.5 (MANE Select); coding-DNA position 1546, C replaced by T.
Protein change: p.Arg516Ter; replaces arginine 516 with a stop codon.
Molecular consequence: nonsense.
Genome position (GRCh38, 1-based): chr15:48,513,591, G>A on the plus strand (C>T on the coding strand, the complement: FBN1 is on the minus strand). VCF-style: chr15-48513591-G-A. GRCh37 (hg19) VCF-style: chr15-48805788-G-A.
Other names: p.R516X:CGA>TGA; short protein forms R516*.
Identifiers: ClinVar variation 42285 (VCV000042285.46), dbSNP rs113812345, ClinGen allele CA012230.
Genomic context (GRCh38, chr15:48,513,591, plus strand): 5'-CAGGAGCCAGGACCATACCTCGGCATTCTGTCCGCGTGAGTGTGCTCTGATATCCAGCTC[G>A]GCACTGACAGGTGTACGAACCCTGGTTGTTAATACACTCACCACCAGCACAGGGGTTTTT-3'

ClinVar aggregate classification (germline): Pathogenic. Review status: criteria provided, multiple submitters, no conflicts (2 of 4 stars). 11 submissions from 11 submitters: Pathogenic (10). 1 of the submissions does not count toward it. Last evaluated 2025-05-04.

Conditions:
Marfan syndrome (MFS). Also called: FBN1-Related Marfan Syndrome; Marfan syndrome, classic; MARFAN SYNDROME, TYPE I; Marfan syndrome type 1; Marfan's syndrome. Identifiers: Orphanet 284963, Orphanet 558, MedGen C0024796, MONDO:0007947, OMIM 154700.
Familial thoracic aortic aneurysm and aortic dissection (TAAD). Also called: Thoracic aortic aneurysms and dissections. Identifiers: Orphanet 91387, MedGen C4707243, MONDO:0019625.
FBN1-related disorder. Also called: FBN1-related disorders.

Submissions (11):

Labcorp Genetics (formerly Invitae), Labcorp
Classification: Pathogenic for Marfan syndrome; Familial thoracic aortic aneurysm and aortic dissection. Last evaluated: 2025-05-04. Review status: criteria provided, single submitter. Criteria: Invitae Variant Classification Sherloc (09022015). Collection method: clinical testing. Allele origin: germline.
Comment: This sequence change creates a premature translational stop signal (p.Arg516*) in the FBN1 gene. It is expected to result in an absent or disrupted protein product. Loss-of-function variants in FBN1 are known to be pathogenic (PMID: 17657824, 19293843). This variant is not present in population databases (gnomAD no frequency). This premature translational stop signal has been observed in individual(s) with Marfan syndrome (PMID: 16222657, 17657824, 19293843, 19618372, 27234404). ClinVar contains an entry for this variant (Variation ID: 42285). For these reasons, this variant has been classified as Pathogenic.

PreventionGenetics, part of Exact Sciences
Classification: Pathogenic for FBN1-related condition. Last evaluated: 2025-04-24. Review status: criteria provided, single submitter. Criteria: ACMG Guidelines, 2015. Collection method: clinical testing. Allele origin: germline.
Comment: The FBN1 c.1546C>T variant is predicted to result in premature protein termination (p.Arg516*). This variant has been reported to be causative for Marfan syndrome (see for example: Arbustini et al. 2005. PubMed ID: 16222657; Table S1, Li et al. 2019. PubMed ID: 31098894; Hernándiz et al. 2020. PubMed ID: 33174221). This variant has not been reported in a large population database (gnomAD), indicating this variant is rare. Nonsense variants in FBN1 are expected to be pathogenic. This variant is interpreted as pathogenic.

GeneDx
Classification: Pathogenic. Last evaluated: 2023-04-11. Review status: criteria provided, single submitter. Criteria: GeneDx Variant Classification Process June 2021. Collection method: clinical testing. Allele origin: germline. Affected: yes.
Comment: Not observed at significant frequency in large population cohorts (gnomAD); Nonsense variant predicted to result in protein truncation or nonsense mediated decay in a gene for which loss of function is a known mechanism of disease; Published functional studies demonstrate no mutant transcript was detected in cycloheximide untreated fibroblasts (Magyar et al., 2009); This variant is associated with the following publications: (PMID: 25525159, 27234404, 19618372, 31098894, 32679894, 34498425, 21542060, 24161884, 25907466, 19293843, 35058154, 16222657, 33174221)

Ambry Genetics
Classification: Pathogenic for Familial thoracic aortic aneurysm and aortic dissection. Last evaluated: 2021-08-03. Review status: criteria provided, single submitter. Criteria: Ambry Variant Classification Scheme 2023. Collection method: clinical testing. Allele origin: germline.
Comment: The p.R516* pathogenic mutation (also known as c.1546C>T) located in coding exon 12 of the FBN1 gene, results from a C to T substitution at nucleotide position 1546. This changes the amino acid from an arginine to a stop codon within coding exon 12. This mutation has been reported in several individuals with a clinical diagnosis of Marfan syndrome (Arbustini et al. Hum Mutat. 2005 Nov; 26(5): 494; Baetens et al. Hum Mutat. 2011; 32(9):1053-62; Proost D et al. Hum Mutat, 2015 Aug;36:808-14; Stark VC et al. Genes (Basel), 2020 07;11:[Epub ahead of print]). In addition to the clinical data presented in the literature, this alteration is expected to result in loss of function by premature protein truncation or nonsense-mediated mRNA decay. As such, this alteration is interpreted as a disease-causing mutation.

Centre of Medical Genetics, University of Antwerp
Classification: Pathogenic for Marfan syndrome. Last evaluated: 2021-03-01. Review status: criteria provided, single submitter. Criteria: Submitter's publication. Collection method: research. Allele origin: unknown. Affected: yes. Observed: 5 variant alleles.
Comment: PM2, PVS1, PP4 or PM2, PVS1, PP1, PP4

Blueprint Genetics
Classification: Pathogenic for FBN1-related disorders. Last evaluated: 2021-01-25. Review status: criteria provided, single submitter. Criteria: ACMG Guidelines, 2015. Collection method: clinical testing. Allele origin: germline. Affected: yes. Observed: 1 variant allele.

Institute of Human Genetics, University of Leipzig Medical Center
Classification: Pathogenic for Marfan syndrome. Last evaluated: 2020-10-13. Review status: criteria provided, single submitter. Criteria: ACMG Guidelines, 2015. Collection method: clinical testing. Allele origin: unknown. Affected: yes.

Laboratory for Molecular Medicine, Mass General Brigham Personalized Medicine
Classification: Pathogenic for Marfan syndrome. Last evaluated: 2020-08-18. Review status: criteria provided, single submitter. Criteria: LMM Criteria. Collection method: clinical testing. Allele origin: germline. Observed: 1 variant allele.
Comment: The p.Arg516X variant in FBN1 has been reported in 5 individuals with Marfan Syndrome and segregated with disease in 1 affected individual (Arbustini 2005 PMID: 16222657, Magyar 2009 PMID: 19618372, Baetens 2011 PMID: 21542060, Aalberts 2014 PMID: 24161884, Yang 2016 PMID: 27234404, Li 2019 PMID: 31098894). It was absent from large population studies. This variant has also been reported in ClinVar (Variation ID 42285). This nonsense variant leads to a premature termination codon at position 516, which is predicted to lead to a truncated or absent protein. Heterozygous loss of function of the FBN1 gene is an established disease mechanism in Marfan Syndrome. In summary, this variant meets criteria to be classified as pathogenic for autosomal dominant Marfan Syndrome. ACMG/AMP criteria applied: PVS1, PM2, PS4.

ARUP Laboratories, Molecular Genetics and Genomics, ARUP Laboratories
Classification: Pathogenic. Last evaluated: 2016-10-31. Review status: criteria provided, single submitter. Criteria: ARUP Molecular Germline Variant Investigation Process. Collection method: clinical testing. Allele origin: germline.

Petrovsky National Research Centre of Surgery, The Federal Agency for Scientific Organizations
Classification: Pathogenic for Marfan syndrome. Last evaluated: 2016-07-12. Review status: criteria provided, single submitter. Criteria: ACMG Guidelines, 2015. Collection method: clinical testing. Allele origin: unknown. Inheritance: Autosomal dominant inheritance. Affected: yes. Observed: 1 heterozygote.
Comment: The p.Arg516* variant present in various studies and been reported in ClinVar by other submitters (ClinVar Variation ID:42285). Evaluation in our clinical center was made with in silico method with the use of NetGene2, Provean, SIFT, MutationTaster. All calculations suggest deleterious/damaging effect. Additionally FBN1 know to be intolerant to LoF variants (deletions, frameshifts, stop-gain, etc.) with ExAC pLI=1.00.

Center for Medical Genetics Ghent, University of Ghent
Classification: Pathogenic for Marfan syndrome. Last evaluated: 2017-11-07. Review status: no assertion criteria provided. Collection method: clinical testing. Allele origin: germline. Affected: yes. Not counted in ClinVar's aggregate classification.

Literature cited by the submitters: PubMed 17657824 (cited by Labcorp Genetics (formerly Invitae), Labcorp); PubMed 19293843 (cited by Labcorp Genetics (formerly Invitae), Labcorp); PubMed 16222657 (cited by Labcorp Genetics (formerly Invitae), Labcorp and Laboratory for Molecular Medicine, Mass General Brigham Personalized Medicine); PubMed 19618372 (cited by Labcorp Genetics (formerly Invitae), Labcorp and Laboratory for Molecular Medicine, Mass General Brigham Personalized Medicine); PubMed 27234404 (cited by 3 submitters); PubMed 25907466 (cited by Ambry Genetics); PubMed 31098894 (cited by Ambry Genetics and Laboratory for Molecular Medicine, Mass General Brigham Personalized Medicine); PubMed 31279624 (cited by Ambry Genetics); PubMed 32679894 (cited by Ambry Genetics); PubMed 33174221 (cited by Ambry Genetics); PubMed 21542060 (cited by Laboratory for Molecular Medicine, Mass General Brigham Personalized Medicine); PubMed 24161884 (cited by Laboratory for Molecular Medicine, Mass General Brigham Personalized Medicine).